The following is an entry in ClinVar:

NM_015378.4(VPS13D):c.11712C>G (p.Ile3904Met)

Gene: VPS13D (vacuolar protein sorting 13 homolog D; plus strand). Cytogenetic location: 1p36.22.
Variant type: single nucleotide variant.
Coding change: c.11712C>G on transcript NM_015378.4 (MANE Select); coding-DNA position 11712, C replaced by G.
Protein change: p.Ile3904Met; replaces isoleucine 3904 with methionine.
Molecular consequence: missense variant.
Genome position (GRCh38, 1-based): chr1:12,400,258, C>G. VCF-style: chr1-12400258-C-G. GRCh37 (hg19) VCF-style: chr1-12460315-C-G.
Other names: c.11637C>G, p.Ile3879Met (NM_018156.4); short protein forms I3879M, I3904M.
Identifiers: ClinVar variation 2142389 (VCV002142389.3), dbSNP rs202027166, ClinGen allele CA604016.
Genomic context (GRCh38, chr1:12,400,258, plus strand): 5'-TGGTACCACGCAGCCCTTCATGCTCTATGTGACTCCCCTGAGCAATGAGAATGAGGTCAT[C>G]GAGACCGGCCCAGCTGTGCAAGTCAACGCAGTGAAGTTCCCCAGTAAGAGTGCACTGACC-3'
Protein context (NP_056193.2, residues 3894-3914): VTPLSNENEV[Ile3904Met]ETGPAVQVNA

ClinVar aggregate classification (germline): Uncertain significance (1 of 4 stars; one submission).

Allele frequency attached by ClinVar (database versions not stated): TOPMed 0.00005; ExAC 0.00007; ESP Exome Variant Server 0.00008; 1000 Genomes Project 30x 0.00016; 1000 Genomes Project 0.00020.
gnomAD v4.1: 146 of 1,614,156 alleles (0.009%); highest among the groups gnomAD compares: Non-Finnish European, 0.012%; no homozygotes.

Submission:

Labcorp Genetics (formerly Invitae), Labcorp
Classification: Uncertain significance. Last evaluated: 2022-04-04. Review status: criteria provided, single submitter. Criteria: Invitae Variant Classification Sherloc (09022015). Collection method: clinical testing. Allele origin: germline.
Comment: In summary, the available evidence is currently insufficient to determine the role of this variant in disease. Therefore, it has been classified as a Variant of Uncertain Significance. Algorithms developed to predict the effect of missense changes on protein structure and function (SIFT, PolyPhen-2, Align-GVGD) all suggest that this variant is likely to be tolerated. This variant has not been reported in the literature in individuals affected with VPS13D-related conditions. This variant is present in population databases (rs202027166, gnomAD 0.01%). This sequence change replaces isoleucine, which is neutral and non-polar, with methionine, which is neutral and non-polar, at codon 3904 of the VPS13D protein (p.Ile3904Met).